The following is an entry in ClinVar:

NM_025137.4(SPG11):c.2985T>G (p.Tyr995Ter)

Gene: SPG11 (SPG11 vesicle trafficking associated, spatacsin; minus strand). Cytogenetic location: 15q21.1.
Variant type: single nucleotide variant.
Coding change: c.2985T>G on transcript NM_025137.4 (MANE Select); coding-DNA position 2985, T replaced by G.
Protein change: p.Tyr995Ter; replaces tyrosine 995 with a stop codon.
Molecular consequence: nonsense.
Genome position (GRCh38, 1-based): chr15:44,615,416, A>C on the plus strand (T>G on the coding strand, the complement: SPG11 is on the minus strand). VCF-style: chr15-44615416-A-C. GRCh37 (hg19) VCF-style: chr15-44907614-A-C.
Other names: c.2985T>G, p.Tyr995Ter (NM_001160227.2, NM_001411132.1); short protein forms Y995*.
Identifiers: ClinVar variation 2859791 (VCV002859791.3), dbSNP rs2505512946, ClinGen allele CA392229276.
Genomic context (GRCh38, chr15:44,615,416, plus strand): 5'-TACTCACTTGTAACAGTCAAGGTAGACATAAAGAAGATGCTGCAGACTGTGCTCCAAACA[A>C]TAGAGAATGAATTGAGAATGGAAATCCCAACCTTCTTTGGTCTTGTAGTTTTGAACAGGG-3'

ClinVar aggregate classification (germline): Pathogenic (1 of 4 stars; one submission).

Conditions:
Hereditary spastic paraplegia 11. Also called: Spastic Paraplegia 11; Spastic paraplegia, mental retardation and thin corpus callosum; Nakamura Osame syndrome; Autosomal recessive hereditary spastic paraplegia, mental impairment, and thin corpus callosum; SPASTIC PARAPLEGIA, AUTOSOMAL RECESSIVE, COMPLICATED, WITH THIN CORPUS CALLOSUM; SPASTIC PARAPLEGIA, AUTOSOMAL RECESSIVE, WITH MENTAL IMPAIRMENT AND THIN CORPUS CALLOSUM. Identifiers: Orphanet 2822, MedGen C1858479, MONDO:0011445, OMIM 604360.

Allele frequency attached by ClinVar (database versions not stated): gnomAD exomes below 0.00001.
gnomAD v4.1: 2 of 1,614,114 alleles (0.00012%); highest among the groups gnomAD compares: Non-Finnish European, 0.00017%; no homozygotes.

Submission:

Labcorp Genetics (formerly Invitae), Labcorp
Classification: Pathogenic for Hereditary spastic paraplegia 11. Last evaluated: 2022-12-05. Review status: criteria provided, single submitter. Criteria: Invitae Variant Classification Sherloc (09022015). Collection method: clinical testing. Allele origin: germline.
Comment: For these reasons, this variant has been classified as Pathogenic. This variant has not been reported in the literature in individuals affected with SPG11-related conditions. This variant is not present in population databases (gnomAD no frequency). This sequence change creates a premature translational stop signal (p.Tyr995*) in the SPG11 gene. It is expected to result in an absent or disrupted protein product. Loss-of-function variants in SPG11 are known to be pathogenic (PMID: 19105190, 20110243, 22154821, 26556829).

Literature cited by the submitters: PubMed 19105190; PubMed 20110243; PubMed 22154821; PubMed 26556829.